The following is an entry in ClinVar:

ClinVar aggregate classification (germline): Conflicting classifications of pathogenicity. Review status: criteria provided, conflicting classifications (1 of 4 stars). 2 submissions from 2 submitters: Uncertain significance (1); Likely benign (1). Last evaluated 2026-06-24.

Conditions:
Hajdu-Cheney syndrome (HJCYS). Also called: ACROOSTEOLYSIS WITH OSTEOPOROSIS AND CHANGES IN SKULL AND MANDIBLE; SERPENTINE FIBULA-POLYCYSTIC KIDNEY SYNDROME; Acroosteolysis dominant type. Identifiers: Orphanet 955, MedGen C0917715, MONDO:0007057, OMIM 102500.
NOTCH2-related disorder. Also called: NOTCH2-related condition.

Allele frequency attached by ClinVar (database versions not stated): gnomAD 0.00001; TOPMed 0.00001; gnomAD exomes 0.00002; ExAC 0.00003.
gnomAD v4.1: 35 of 1,607,658 alleles (0.0022%); highest among the groups gnomAD compares: East Asian, 0.078%; no homozygotes.

Submissions (2):

PreventionGenetics, part of Exact Sciences
Classification: Likely benign for NOTCH2-related condition. Last evaluated: 2026-06-24. Review status: criteria provided, single submitter. Criteria: ACMG Guidelines, 2015. Collection method: clinical testing. Allele origin: germline.
Comment: This variant is classified as likely benign based on ACMG/AMP sequence variant interpretation guidelines (Richards et al. 2015 PMID: 25741868, with internal and published modifications).

Labcorp Genetics (formerly Invitae), Labcorp
Classification: Uncertain significance for Hajdu-Cheney syndrome. Last evaluated: 2023-04-24. Review status: criteria provided, single submitter. Criteria: Invitae Variant Classification Sherloc (09022015). Collection method: clinical testing. Allele origin: germline.
Comment: This sequence change replaces cysteine, which is neutral and slightly polar, with arginine, which is basic and polar, at codon 2328 of the NOTCH2 protein (p.Cys2328Arg). ClinVar contains an entry for this variant (Variation ID: 1513677). In summary, the available evidence is currently insufficient to determine the role of this variant in disease. Therefore, it has been classified as a Variant of Uncertain Significance. Advanced modeling of protein sequence and biophysical properties (such as structural, functional, and spatial information, amino acid conservation, physicochemical variation, residue mobility, and thermodynamic stability) performed at Invitae indicates that this missense variant is not expected to disrupt NOTCH2 protein function. This variant has not been reported in the literature in individuals affected with NOTCH2-related conditions. This variant is present in population databases (rs757922369, gnomAD 0.02%).

NM_024408.4(NOTCH2):c.6982T>C (p.Cys2328Arg)

Gene: NOTCH2 (notch receptor 2; minus strand). Cytogenetic location: 1p12.
Variant type: single nucleotide variant.
Coding change: c.6982T>C on transcript NM_024408.4 (MANE Select); coding-DNA position 6982, T replaced by C.
Protein change: p.Cys2328Arg; replaces cysteine 2328 with arginine.
Molecular consequence: missense variant.
Genome position (GRCh38, 1-based): chr1:119,915,740, A>G on the plus strand (T>C on the coding strand, the complement: NOTCH2 is on the minus strand). VCF-style: chr1-119915740-A-G. GRCh37 (hg19) VCF-style: chr1-120458363-A-G.
Other names: c.6982T>C (NM_024408.3); short protein forms C2328R.
Identifiers: ClinVar variation 1513677 (VCV001513677.7), dbSNP rs757922369, ClinGen allele CA1039344.
Genomic context (GRCh38, chr1:119,915,740, plus strand): 5'-AACGGGCCATTTCTGGAATCTGGTACATGGTGGGCAGGGGGCCCGCAACAGCTGGAGGGC[A>G]GGTGGACTGAGGCTGGGGAGCCCCCGCTGGTTGGGCAATACTGCCTTTAGGGATGAGCTG-3'
Protein context (NP_077719.2, residues 2318-2338): PAGAPQPQST[Cys2328Arg]PPAVAGPLPT